The following is an entry in ClinVar:

ClinVar aggregate classification (germline): Pathogenic (1 of 4 stars; one submission).

Conditions:
CEP290-related ciliopathy. Also called: CEP290 ciliopathy. Identifiers: MedGen CN305601, MONDO:0100451.

gnomAD v4.1: 1 of 1,564,350 alleles (0.000064%); highest among the groups gnomAD compares: Non-Finnish European, 0.000087%; no homozygotes.

Submission:

Myriad Genetics, Inc.
Classification: Pathogenic for CEP290-related ciliopathy. Last evaluated: 2026-09-02. Review status: criteria provided, single submitter. Criteria: Myriad Autosomal Dominant, Autosomal Recessive and X-Linked Classification Criteria (2023). Collection method: clinical testing. Allele origin: unknown.
Comment: NM_025114.3(CEP290):c.3084G>A(W1028*) is expected to be pathogenic in the context of CEP290-related disorders. This variant is predicted to lead to an abnormal or absent protein product due to the creation of a premature termination codon in CEP290, a gene where loss-of-function variants are known to be pathogenic. Please note: this variant was assessed in the context of healthy population screening.

NM_025114.4(CEP290):c.3084G>A (p.Trp1028Ter)

Gene: CEP290 (centrosomal protein 290; minus strand). Cytogenetic location: 12q21.32.
Variant type: single nucleotide variant.
Coding change: c.3084G>A on transcript NM_025114.4 (MANE Select); coding-DNA position 3084, G replaced by A.
Protein change: p.Trp1028Ter; replaces tryptophan 1028 with a stop codon.
Molecular consequence: nonsense.
Genome position (GRCh38, 1-based): chr12:88,096,907, C>T on the plus strand (G>A on the coding strand, the complement: CEP290 is on the minus strand). VCF-style: chr12-88096907-C-T. GRCh37 (hg19) VCF-style: chr12-88490684-C-T.
Other names: short protein forms W1028*.
Identifiers: ClinVar variation 5016309 (VCV005016309.1).